The following is an entry in ClinVar:

ClinVar aggregate classification (germline): Uncertain significance (1 of 4 stars; one submission).

Allele frequency attached by ClinVar (database versions not stated): gnomAD 0.00001.
gnomAD v4.1: 1 of 1,613,746 alleles (0.000062%); highest among the groups gnomAD compares: Non-Finnish European, 0.000085%; no homozygotes.

Submission:

GeneDx
Classification: Uncertain significance. Last evaluated: 2016-06-28. Review status: criteria provided, single submitter. Criteria: GeneDx Variant Classification (06012015). Collection method: clinical testing. Allele origin: germline. Affected: yes.
Comment: A variant of uncertain significance has been identified in the ANK2 gene. The S901A variant has not been published as a pathogenic variant, nor has it been reported as a benign variant to our knowledge. The S901A variant was not observed in approximately 6,500 individuals of European and African American ancestry in the NHLBI Exome Sequencing Project, indicating it is not a common benign variant in these populations. The S901A variant is a non-conservative amino acid substitution, which is likely to impact secondary protein structure as these residues differ in polarity, charge, size and/or other properties. This substitution occurs at a position that is conserved across species. However, in silico analysis is inconsistent in its predictions as to whether or not the variant is damaging to the protein structure/function.

NM_001148.6(ANK2):c.2701T>G (p.Ser901Ala)

Gene: ANK2 (ankyrin 2; plus strand). Cytogenetic location: 4q26.
Variant type: single nucleotide variant.
Coding change: c.2701T>G on transcript NM_001148.6 (MANE Select); coding-DNA position 2701, T replaced by G.
Protein change: p.Ser901Ala; replaces serine 901 with alanine.
Molecular consequence: missense variant. On other transcripts: intron variant (22).
Genome position (GRCh38, 1-based): chr4:113,317,714, T>G. VCF-style: chr4-113317714-T-G. GRCh37 (hg19) VCF-style: chr4-114238870-T-G.
Other names: c.2638T>G, p.Ser880Ala (NM_001127493.3, NM_001354243.2, NM_001354255.2 and 3 more transcripts); c.2713T>G, p.Ser905Ala (NM_001354225.2); c.2701T>G, p.Ser901Ala (NM_001354228.2, NM_001354232.2, NM_001354258.2 and 1 more transcripts); c.2746T>G, p.Ser916Ala (NM_001354240.2, NM_001354241.2, NM_001386144.1); c.2602T>G, p.Ser868Ala (NM_001354245.2, NM_001354268.2); c.2614T>G, p.Ser872Ala (NM_001354249.2, NM_001354264.2, NM_001354266.2 and 7 more transcripts); c.2539T>G, p.Ser847Ala (NM_001354253.2, NM_001354257.2, NM_001354270.2 and 1 more transcripts); c.2650T>G, p.Ser884Ala (NM_001354254.2); and 17 more; short protein forms S880A, S901A, S872A, S905A, S916A, S806A, S847A, S868A.
Identifiers: ClinVar variation 387393 (VCV000387393.2), dbSNP rs1057522778, ClinGen allele CA16605023.